The following is an entry in ClinVar:

ClinVar aggregate classification (germline): Likely pathogenic (1 of 4 stars; one submission).

Conditions:
Dilated cardiomyopathy 1G (CMD1G). Identifiers: Orphanet 154, MedGen C1858763, MONDO:0011400, OMIM 604145.

Submission:

Victorian Clinical Genetics Services, Murdoch Childrens Research Institute
Classification: Likely pathogenic for Dilated cardiomyopathy 1G. Last evaluated: 2023-12-21. Review status: criteria provided, single submitter. Criteria: ACMG Guidelines, 2015. Collection method: clinical testing. Allele origin: germline. Inheritance: Autosomal dominant inheritance. Affected: yes.
Comment: Based on the classification scheme VCGS_Germline_v1.3.4 this variant is classified as Likely pathogenic. Following criteria are met: 0102 - Loss of function is known mechanism of disease in this gene. In addition, dominant-negative is also a suggested mechanism (PMID: 25589632). (I) 0108 - This gene is associated with both recessive and dominant disease (OMIM). (I) 0112 - The condition associated with this gene has incomplete penetrance. Variants in this gene that result in a premature truncating codon (PTC) are known to have reduced penetrance in individuals with dilated cardiomyopathy (PMID: 25589632). (I) 0201 - Variant is predicted to cause nonsense-mediated decay (NMD) and loss of protein (premature termination codon is located at least 54 nucleotides upstream of the final exon-exon junction). (SP) 0251 - This variant is heterozygous. (I) 0301 - Variant is absent from gnomAD (both v2 and v3). (SP) 0600 - Variant is located in an annotated A-band (PSI=1). (I) 0703 - Other NMD-predicted variants comparable to the one identified in this case have moderate previous evidence for pathogenicity (DECIPHER). (SP) 0807 - This variant has no previous evidence of pathogenicity. (I) 0905 - No published segregation evidence has been identified for this variant. (I) 1007 - No published functional evidence has been identified for this variant. (I) Legend: (SP) - Supporting pathogenic, (I) - Information, (SB) - Supporting benign

Literature cited by the submitters: PubMed 25589632.

NM_001267550.2(TTN):c.50353A>T (p.Arg16785Ter)

Genes: TTN (titin; minus strand), TTN-AS1 (TTN antisense RNA 1; plus strand). Cytogenetic location: 2q31.2.
Variant type: single nucleotide variant.
Coding change: c.50353A>T on transcript NM_001267550.2 (MANE Select); coding-DNA position 50353, A replaced by T.
Protein change: p.Arg16785Ter; replaces arginine 16785 with a stop codon.
Molecular consequence: nonsense.
Genome position (GRCh38, 1-based): chr2:178,612,058, T>A on the plus strand (A>T on the coding strand, the complement: TTN is on the minus strand). VCF-style: chr2-178612058-T-A. GRCh37 (hg19) VCF-style: chr2-179476785-T-A.
Other names: c.45430A>T, p.Arg15144Ter (NM_001256850.1); c.23158A>T, p.Arg7720Ter (NM_003319.4); c.42649A>T, p.Arg14217Ter (NM_133378.4); c.23533A>T, p.Arg7845Ter (NM_133432.3); c.23734A>T, p.Arg7912Ter (NM_133437.4); short protein forms R14217*, R15144*, R16785*, R7720*, R7845*, R7912*.
Identifiers: ClinVar variation 3376591 (VCV003376591.1).